The following is an entry in ClinVar:

NM_005592.4(MUSK):c.2447G>A (p.Arg816Gln)

Gene: MUSK (muscle associated receptor tyrosine kinase; plus strand). Cytogenetic location: 9q31.3.
Variant type: single nucleotide variant.
Coding change: c.2447G>A on transcript NM_005592.4 (MANE Select); coding-DNA position 2447, G replaced by A.
Protein change: p.Arg816Gln; replaces arginine 816 with glutamine.
Molecular consequence: missense variant.
Genome position (GRCh38, 1-based): chr9:110,800,825, G>A. VCF-style: chr9-110800825-G-A. GRCh37 (hg19) VCF-style: chr9-113563105-G-A.
Other names: c.2189G>A, p.Arg730Gln (NM_001166280.2); c.2159G>A, p.Arg720Gln (NM_001166281.2); c.1187G>A, p.Arg396Gln (NM_001369398.1); short protein forms R816Q, R720Q, R396Q, R730Q.
Identifiers: ClinVar variation 645810 (VCV000645810.9), dbSNP rs764486887, ClinGen allele CA5184632.
Genomic context (GRCh38, chr9:110,800,825, plus strand): 5'-TCTCCTATGGCCTGCAGCCCTACTATGGGATGGCCCATGAGGAGGTCATTTACTACGTGC[G>A]AGATGGCAACATCCTCTCCTGCCCTGAGAACTGCCCCGTGGAGCTGTACAATCTCATGCG-3'
Protein context (NP_005583.1, residues 806-826): MAHEEVIYYV[Arg816Gln]DGNILSCPEN

ClinVar aggregate classification (germline): Uncertain significance. Review status: criteria provided, multiple submitters, no conflicts (2 of 4 stars). 2 submissions from 2 submitters: Uncertain significance (2). Last evaluated 2022-03-29.

Conditions:
Congenital myasthenic syndrome 9. Also called: Myasthenic syndrome, congenital, 9, associated with acetylcholine receptor deficiency. Identifiers: Orphanet 590, MedGen C4225368, MONDO:0014587, OMIM 616325.
Fetal akinesia deformation sequence 1 (FADS1). Also called: Fetal akinesia sequence; Pena-Shokeir syndrome type I. Identifiers: Orphanet 994, MedGen C1276035, MONDO:0100101, OMIM 208150, HP:0001989.

Allele frequency attached by ClinVar (database versions not stated): gnomAD exomes 0.00001 and 0.00002; TOPMed 0.00001; ExAC 0.00002.
gnomAD v4.1: 21 of 1,612,550 alleles (0.0013%); highest among the groups gnomAD compares: Non-Finnish European, 0.0016%; no homozygotes.

Submissions (2):

Labcorp Genetics (formerly Invitae), Labcorp
Classification: Uncertain significance for Congenital myasthenic syndrome 9; Fetal akinesia deformation sequence 1. Last evaluated: 2022-03-29. Review status: criteria provided, single submitter. Criteria: Invitae Variant Classification Sherloc (09022015). Collection method: clinical testing. Allele origin: germline.
Comment: This sequence change replaces arginine, which is basic and polar, with glutamine, which is neutral and polar, at codon 816 of the MUSK protein (p.Arg816Gln). This variant is present in population databases (rs764486887, gnomAD 0.003%). This variant has not been reported in the literature in individuals affected with MUSK-related conditions. ClinVar contains an entry for this variant (Variation ID: 645810). Algorithms developed to predict the effect of missense changes on protein structure and function are either unavailable or do not agree on the potential impact of this missense change (SIFT: "Deleterious"; PolyPhen-2: "Probably Damaging"; Align-GVGD: "Class C0"). In summary, the available evidence is currently insufficient to determine the role of this variant in disease. Therefore, it has been classified as a Variant of Uncertain Significance.

Illumina Laboratory Services, Illumina
Classification: Uncertain significance for Congenital myasthenic syndrome 9. Last evaluated: 2018-01-13. Review status: criteria provided, single submitter. Criteria: ICSL Variant Classification Criteria 13 December 2019. Collection method: clinical testing. Allele origin: germline.